The following is an entry in ClinVar:

ClinVar aggregate classification (germline): Uncertain significance (1 of 4 stars; one submission).

Conditions:
Congenital myopathy with internal nuclei and atypical cores. Also called: Myopathy, centronuclear, 4. Identifiers: Orphanet 319160, MedGen C4707232, MONDO:0013890, OMIM 614807.

Allele frequency attached by ClinVar (database versions not stated): gnomAD 0.00001; TOPMed 0.00001.

Submission:

Labcorp Genetics (formerly Invitae), Labcorp
Classification: Uncertain significance for Congenital myopathy with internal nuclei and atypical cores. Last evaluated: 2023-10-11. Review status: criteria provided, single submitter. Criteria: Invitae Variant Classification Sherloc (09022015). Collection method: clinical testing. Allele origin: germline.
Comment: This sequence change replaces serine, which is neutral and polar, with glycine, which is neutral and non-polar, at codon 331 of the CCDC78 protein (p.Ser331Gly). This variant is present in population databases (no rsID available, gnomAD 0.01%). This variant has not been reported in the literature in individuals affected with CCDC78-related conditions. Advanced modeling of protein sequence and biophysical properties (such as structural, functional, and spatial information, amino acid conservation, physicochemical variation, residue mobility, and thermodynamic stability) performed at Invitae indicates that this missense variant is not expected to disrupt CCDC78 protein function. In summary, the available evidence is currently insufficient to determine the role of this variant in disease. Therefore, it has been classified as a Variant of Uncertain Significance.

NM_001378030.1(CCDC78):c.991A>G (p.Ser331Gly)

Gene: CCDC78 (coiled-coil domain containing 78; minus strand). Cytogenetic location: 16p13.3.
Variant type: single nucleotide variant.
Coding change: c.991A>G on transcript NM_001378030.1 (MANE Select); coding-DNA position 991, A replaced by G.
Protein change: p.Ser331Gly; replaces serine 331 with glycine.
Molecular consequence: missense variant. On other transcripts: non-coding transcript variant (5), intron variant (1).
Genome position (GRCh38, 1-based): chr16:724,168, T>C on the plus strand (A>G on the coding strand, the complement: CCDC78 is on the minus strand). VCF-style: chr16-724168-T-C. GRCh37 (hg19) VCF-style: chr16-774168-T-C.
Other names: c.991A>G, p.Ser331Gly (NM_001031737.3); c.424A>G, p.Ser142Gly (NM_001378033.1); c.953+154A>G (NM_001378031.1); short protein forms S142G, S331G.
Identifiers: ClinVar variation 3023481 (VCV003023481.3), dbSNP rs1338425673, ClinGen allele CA394099031.